The following is an entry in ClinVar:

NM_152564.5(VPS13B):c.2209-5T>C

Gene: VPS13B (vacuolar protein sorting 13 homolog B; plus strand). Cytogenetic location: 8q22.2.
Variant type: single nucleotide variant.
Coding change: c.2209-5T>C on transcript NM_152564.5 (MANE Select); 5 bases into the intron before coding-DNA position 2209, T replaced by C.
Molecular consequence: intron variant.
Genome position (GRCh38, 1-based): chr8:99,170,034, T>C. VCF-style: chr8-99170034-T-C. GRCh37 (hg19) VCF-style: chr8-100182262-T-C.
Other names: c.2209-5T>C (NM_017890.5, NM_015243.3).
Identifiers: ClinVar variation 3345378 (VCV003345378.1).
Genomic context (GRCh38, chr8:99,170,034, plus strand): 5'-ATTTCATCCTGTGCTTATTAAAACTTTGTCTGTGTGAACACTTGCATCTTTTCTTTTTGT[T>C]TTAGATATTTGGTTTCCAGGCAGGACTGACGTCTTTGGATTGCAGTGGATCTTACTGCTT-3'

ClinVar aggregate classification (germline): Uncertain significance (0 of 4 stars; one submission).

Conditions:
VPS13B-related disorder. Also called: VPS13B-related condition.

gnomAD v4.1: 1 of 1,612,454 alleles (0.000062%); highest among the groups gnomAD compares: Admixed American, 0.0017%; no homozygotes.

Submission:

PreventionGenetics, part of Exact Sciences
Classification: Uncertain significance for VPS13B-related condition. Last evaluated: 2024-04-18. Review status: no assertion criteria provided. Collection method: clinical testing. Allele origin: germline.
Comment: The VPS13B c.2209-5T>C variant is predicted to interfere with splicing. To our knowledge, this variant has not been reported in the literature. This variant is reported in 0.0029% of alleles in individuals of Latino descent in gnomAD. At this time, the clinical significance of this variant is uncertain due to the absence of conclusive functional and genetic evidence.